The following is an entry in ClinVar:

NM_023110.3(FGFR1):c.214C>T (p.Gln72Ter)

Gene: FGFR1 (fibroblast growth factor receptor 1; minus strand). Cytogenetic location: 8p11.23.
Variant type: single nucleotide variant.
Coding change: c.214C>T on transcript NM_023110.3 (MANE Select); coding-DNA position 214, C replaced by T.
Protein change: p.Gln72Ter; replaces glutamine 72 with a stop codon.
Molecular consequence: nonsense. On other transcripts: intron variant (5).
Genome position (GRCh38, 1-based): chr8:38,429,826, G>A on the plus strand (C>T on the coding strand, the complement: FGFR1 is on the minus strand). VCF-style: chr8-38429826-G-A. GRCh37 (hg19) VCF-style: chr8-38287344-G-A.
Other names: c.214C>T, p.Gln72Ter (NM_001174063.2, NM_001174065.2, NM_001354367.2 and 2 more transcripts); c.190C>T, p.Gln64Ter (NM_001174064.2); c.313C>T, p.Gln105Ter (NM_001174067.2); c.92-1391C>T (NM_001354368.2, NM_001354370.2, NM_023106.3 and 2 more transcripts); short protein forms Q72*, Q105*, Q64*.
Identifiers: ClinVar variation 502125 (VCV000502125.10), dbSNP rs1554570813, ClinGen allele CA370736417.

ClinVar aggregate classification (germline): Pathogenic/Likely pathogenic. Review status: criteria provided, multiple submitters, no conflicts (2 of 4 stars). 3 submissions from 3 submitters: Pathogenic (1); Likely pathogenic (2). Last evaluated 2025-10-06.

Conditions:
Pfeiffer syndrome (ACS5). Also called: ACS V. Identifiers: Orphanet 710, MedGen C0220658, MONDO:0007043, OMIM 101600.
Hypogonadotropic hypogonadism 2 with or without anosmia (HH2). Also called: HYPOGONADOTROPIC HYPOGONADISM 2 WITH OR WITHOUT ANOSMIA, SUSCEPTIBILITY TO; HYPOGONADOTROPIC HYPOGONADISM 2 WITHOUT ANOSMIA, SUSCEPTIBILITY TO; FGFR1-Related GnRH Deficiency (Kallmann Syndrome 2); HYPOGONADOTROPIC HYPOGONADISM 2 WITHOUT ANOSMIA. Identifiers: Orphanet 478, MedGen C1563720, MONDO:0007844, OMIM 147950. Disease mechanism: loss of function.
Jackson-Weiss syndrome (JWS). Also called: CRANIOSYNOSTOSIS, MIDFACIAL HYPOPLASIA, AND FOOT ABNORMALITIES. Identifiers: Orphanet 1540, MedGen C0795998, MONDO:0007400, OMIM 123150. Disease mechanism: loss of function.
Hartsfield-Bixler-Demyer syndrome (HRTFDS). Also called: Hartsfield syndrome; Holoprosencephaly, ectrodactyly, and bilateral cleft lip/palate; FGFR1-Related Hartsfield Syndrome. Identifiers: Orphanet 2117, MedGen C1845146, MONDO:0014196, OMIM 615465. Disease mechanism: loss of function.
Trigonocephaly 1 (TRIGNO1). Identifiers: Orphanet 3366, MedGen C0432122, MONDO:0008603, OMIM 190440.
Osteoglophonic dysplasia (OGD). Also called: Osteoglophonic dwarfism. Identifiers: Orphanet 2645, MedGen C0432283, MONDO:0008150, OMIM 166250.
Encephalocraniocutaneous lipomatosis (ECCL). Identifiers: Orphanet 2396, MedGen C0406612, MONDO:0013074, OMIM 613001.

Submissions (3):

Labcorp Genetics (formerly Invitae), Labcorp
Classification: Pathogenic for Pfeiffer syndrome; Hypogonadotropic hypogonadism 2 with or without anosmia. Last evaluated: 2025-10-06. Review status: criteria provided, single submitter. Criteria: Invitae Variant Classification Sherloc (09022015). Collection method: clinical testing. Allele origin: germline.
Comment: This sequence change creates a premature translational stop signal (p.Gln72*) in the FGFR1 gene. It is expected to result in an absent or disrupted protein product. Loss-of-function variants in FGFR1 are known to be pathogenic (PMID: 12627230). This variant is not present in population databases (gnomAD no frequency). This premature translational stop signal has been observed in individual(s) with Kallman syndrome (PMID: 27502037). ClinVar contains an entry for this variant (Variation ID: 502125). For these reasons, this variant has been classified as Pathogenic.

Fulgent Genetics
Classification: Likely pathogenic for Pfeiffer syndrome; Jackson-Weiss syndrome; Hypogonadotropic hypogonadism 2 with or without anosmia; Osteoglophonic dysplasia; Trigonocephaly 1; Encephalocraniocutaneous lipomatosis; Hartsfield-Bixler-Demyer syndrome. Last evaluated: 2021-10-11. Review status: criteria provided, single submitter. Criteria: ACMG Guidelines, 2015. Collection method: clinical testing. Allele origin: unknown.

Eurofins Ntd Llc (ga)
Classification: Likely pathogenic. Last evaluated: 2017-05-26. Review status: criteria provided, single submitter. Criteria: EGL Classification Definitions 2015. Collection method: clinical testing. Allele origin: germline. Observed: 1 variant allele, 1 heterozygote.

Literature cited by the submitters: PubMed 12627230 (cited by Labcorp Genetics (formerly Invitae), Labcorp); PubMed 27502037 (cited by Labcorp Genetics (formerly Invitae), Labcorp).